The following is an entry in ClinVar:

ClinVar aggregate classification (germline): Uncertain significance (1 of 4 stars; one submission).

Allele frequency attached by ClinVar (database versions not stated): gnomAD 0.00001.
gnomAD v4.1: 1 of 1,612,922 alleles (0.000062%); highest among the groups gnomAD compares: African/African-American, 0.0013%; no homozygotes.

Submission:

GeneDx
Classification: Uncertain significance. Last evaluated: 2022-10-05. Review status: criteria provided, single submitter. Criteria: GeneDx Variant Classification Process June 2021. Collection method: clinical testing. Allele origin: germline. Affected: yes.
Comment: In silico analysis supports that this missense variant does not alter protein structure/function; Has not been previously published as pathogenic or benign to our knowledge

NM_022455.5(NSD1):c.817T>C (p.Ser273Pro)

Gene: NSD1 (nuclear receptor binding SET domain protein 1; plus strand). Cytogenetic location: 5q35.3.
Variant type: single nucleotide variant.
Coding change: c.817T>C on transcript NM_022455.5 (MANE Select); coding-DNA position 817, T replaced by C.
Protein change: p.Ser273Pro; replaces serine 273 with proline.
Molecular consequence: missense variant. On other transcripts: intron variant (8).
Genome position (GRCh38, 1-based): chr5:177,135,920, T>C. VCF-style: chr5-177135920-T-C. GRCh37 (hg19) VCF-style: chr5-176562921-T-C.
Other names: c.817T>C, p.Ser273Pro (NM_001409301.1, NM_001409302.1, NM_001409303.1); c.418-21T>C (NM_001409304.1); c.-36-21T>C (NM_001409305.1, NM_001409306.1, NM_001409308.1 and 4 more transcripts); short protein forms S273P.
Identifiers: ClinVar variation 2497752 (VCV002497752.1), dbSNP rs1458587790, ClinGen allele CA362295892.
Genomic context (GRCh38, chr5:177,135,920, plus strand): 5'-CTTCTCCCAGCCCCCTTTTCACTAGGAGACACAAACATTACAATAGAAGAGCAATTAAAC[T>C]CAATAAATTTATCTTTTCAGGATGATCCAGATTCCAGTACCAGTACATTAGGAAACATGC-3'
Protein context (NP_071900.2, residues 263-283): TNITIEEQLN[Ser273Pro]INLSFQDDPD